The following is an entry in ClinVar:

NM_002691.4(POLD1):c.1746G>A (p.Thr582=)

Gene: POLD1 (DNA polymerase delta 1, catalytic subunit; plus strand). Cytogenetic location: 19q13.33.
Variant type: single nucleotide variant.
Coding change: c.1746G>A on transcript NM_002691.4 (MANE Select); coding-DNA position 1746, G replaced by A.
Protein change: p.Thr582=; no amino-acid change (threonine 582 retained).
Molecular consequence: synonymous variant. On other transcripts: non-coding transcript variant (1).
Genome position (GRCh38, 1-based): chr19:50,407,386, G>A. VCF-style: chr19-50407386-G-A. GRCh37 (hg19) VCF-style: chr19-50910643-G-A.
Other names: c.1746G>A, p.Thr582= (NM_001256849.1, NM_001308632.1).
Identifiers: ClinVar variation 386216 (VCV000386216.18), dbSNP rs749873325, ClinGen allele CA9596247.
Genomic context (GRCh38, chr19:50,407,386, plus strand): 5'-GGCCATGCACGAGGGGCTGCTGATGCCCGTGGTGAAGTCAGAGGGCGGCGAGGACTACAC[G>A]GGAGCCACTGTCATCGAGCCCCTCAAAGGGTGAGGCCCCAGGCTGGGTGCAGTTTTTACC-3'
Protein context (NP_002682.2, residues 572-592): VVKSEGGEDY[Thr582=]GATVIEPLKG

ClinVar aggregate classification (germline): Likely benign. Review status: criteria provided, multiple submitters, no conflicts (2 of 4 stars). 6 submissions from 6 submitters: Likely benign (6). Last evaluated 2026-01-31.

Conditions:
Hereditary cancer-predisposing syndrome. Also called: Neoplastic Syndromes, Hereditary; Hereditary neoplastic syndrome; Hereditary Cancer Syndrome; Tumor predisposition. Identifiers: Orphanet 140162, MedGen C0027672, MeSH D009386, MONDO:0015356.
POLD1-related polyposis and colorectal cancer syndrome (CRCS10). Also called: Colorectal cancer, susceptibility to, 10; Colorectal cancer 10; COLORECTAL CANCER, SUSCEPTIBILITY TO, ON CHROMOSOME 19q. Identifiers: Orphanet 220460, MedGen C2675481, MONDO:0012953, OMIM 612591.

Allele frequency attached by ClinVar (database versions not stated): gnomAD 0.00001; gnomAD exomes 0.00003 and 0.00009; TOPMed 0.00004; ExAC 0.00009.
gnomAD v4.1: 50 of 1,610,422 alleles (0.0031%); highest among the groups gnomAD compares: Admixed American, 0.033%; no homozygotes.

Submissions (6):

Labcorp Genetics (formerly Invitae), Labcorp
Classification: Likely benign for POLD1-related polyposis and colorectal cancer syndrome. Last evaluated: 2026-01-31. Review status: criteria provided, single submitter. Criteria: Invitae Variant Classification Sherloc (09022015). Collection method: clinical testing. Allele origin: germline.

Sema4
Classification: Likely benign for Hereditary cancer-predisposing syndrome. Last evaluated: 2021-06-02. Review status: criteria provided, single submitter. Criteria: Sema4 Curation Guidelines. Collection method: curation. Allele origin: germline.

Blueprint Genetics
Classification: Likely benign. Last evaluated: 2021-03-01. Review status: criteria provided, single submitter. Criteria: ACMG Guidelines, 2015. Collection method: clinical testing. Allele origin: germline.

GeneDx
Classification: Likely benign. Last evaluated: 2018-02-05. Review status: criteria provided, single submitter. Criteria: GeneDx Variant Classification (06012015). Collection method: clinical testing. Allele origin: germline. Affected: yes.
Comment: This variant is considered likely benign or benign based on one or more of the following criteria: it is a conservative change, it occurs at a poorly conserved position in the protein, it is predicted to be benign by multiple in silico algorithms, and/or has population frequency not consistent with disease.

PreventionGenetics, part of Exact Sciences
Classification: Likely benign. Last evaluated: 2017-06-09. Review status: criteria provided, single submitter. Criteria: ACMG Guidelines, 2015. Collection method: clinical testing. Allele origin: germline.

Ambry Genetics
Classification: Likely benign for Hereditary cancer-predisposing syndrome. Last evaluated: 2016-03-02. Review status: criteria provided, single submitter. Criteria: Ambry Variant Classification Scheme 2023. Collection method: clinical testing. Allele origin: germline.